The following is an entry in ClinVar:

NM_001267550.2(TTN):c.230G>A (p.Arg77Gln)

Gene: TTN (titin; minus strand). Cytogenetic location: 2q31.2.
Variant type: single nucleotide variant.
Coding change: c.230G>A on transcript NM_001267550.2 (MANE Select); coding-DNA position 230, G replaced by A.
Protein change: p.Arg77Gln; replaces arginine 77 with glutamine.
Molecular consequence: missense variant.
Genome position (GRCh38, 1-based): chr2:178,802,203, C>T on the plus strand (G>A on the coding strand, the complement: TTN is on the minus strand). VCF-style: chr2-178802203-C-T. GRCh37 (hg19) VCF-style: chr2-179666930-C-T.
Other names: p.R77Q:CGA>CAA; c.230G>A, p.Arg77Gln (NM_001256850.1, NM_133378.4, NM_003319.4 and 3 more transcripts); c.230G>A (NM_001267550.1); short protein forms R77Q.
Identifiers: ClinVar variation 166359 (VCV000166359.7), dbSNP rs727503709, ClinGen allele CA179450.

ClinVar aggregate classification (germline): Uncertain significance. Review status: criteria provided, multiple submitters, no conflicts (2 of 4 stars). 2 submissions from 2 submitters: Uncertain significance (2). Last evaluated 2024-09-17.

Allele frequency attached by ClinVar (database versions not stated): gnomAD exomes below 0.00001 and 0.00001; ExAC 0.00002.
gnomAD v4.1: 6 of 1,614,150 alleles (0.00037%); highest among the groups gnomAD compares: South Asian, 0.0022%; no homozygotes.

Submissions (2):

GeneDx
Classification: Uncertain significance. Last evaluated: 2024-09-17. Review status: criteria provided, single submitter. Criteria: GeneDx Variant Classification Process June 2021. Collection method: clinical testing. Allele origin: germline. Affected: yes.
Comment: Not observed at significant frequency in large population cohorts (gnomAD); Missense variant in a gene in which most reported pathogenic variants are truncating/loss of function; Has not been previously published as pathogenic or benign to our knowledge

Laboratory for Molecular Medicine, Mass General Brigham Personalized Medicine
Classification: Uncertain significance. Last evaluated: 2014-03-12. Review status: criteria provided, single submitter. Criteria: LMM Criteria. Collection method: clinical testing. Allele origin: germline. Observed: 1 variant allele.
Comment: The Arg77Gln variant in TTN has not been previously reported in individuals with cardiomyopathy or in large population studies. Computational prediction tools a nd conservation analysis suggest that this variant may not impact the protein, t hough this information is not predictive enough to rule out pathogenicity. Addit ional information is needed to fully assess the clinical significance of the Arg 77Gln variant.